The following is an entry in ClinVar:

ClinVar aggregate classification (germline): Likely benign (0 of 4 stars; one submission).

Conditions:
CELSR2-related disorder. Also called: CELSR2-related condition.

gnomAD v4.1: 1 of 1,614,184 alleles (0.000062%); no homozygotes.

Submission:

PreventionGenetics, part of Exact Sciences
Classification: Likely benign for CELSR2-related condition. Last evaluated: 2019-06-19. Review status: no assertion criteria provided. Collection method: clinical testing. Allele origin: germline.
Comment: This variant is classified as likely benign based on ACMG/AMP sequence variant interpretation guidelines (Richards et al. 2015 PMID: 25741868, with internal and published modifications).

NM_001408.3(CELSR2):c.5490T>C (p.Asn1830=)

Gene: CELSR2 (cadherin EGF LAG seven-pass G-type receptor 2; plus strand). Cytogenetic location: 1p13.3.
Variant type: single nucleotide variant.
Coding change: c.5490T>C on transcript NM_001408.3 (MANE Select); coding-DNA position 5490, T replaced by C.
Protein change: p.Asn1830=; no amino-acid change (asparagine 1830 retained).
Molecular consequence: synonymous variant.
Genome position (GRCh38, 1-based): chr1:109,264,893, T>C. VCF-style: chr1-109264893-T-C. GRCh37 (hg19) VCF-style: chr1-109807515-T-C.
Identifiers: ClinVar variation 3352188 (VCV003352188.1).
Genomic context (GRCh38, chr1:109,264,893, plus strand): 5'-GGGGGAATGAGCCTCTCTGGTCCTTCTGGTCCCAGGTTACTATGGTGACAACTGTACTAA[T>C]GTGTGTGACCTGAACCCGTGTGAGCACCAGTCTGTGTGTACCCGCAAGCCCAGTGCCCCC-3'
Protein context (NP_001399.1, residues 1820-1840): DPGYYGDNCT[Asn1830=]VCDLNPCEHQ